The following is an entry in ClinVar:

NC_012920.1(MT-TA):m.5604C>T

Gene: MT-TA (mitochondrially encoded tRNA alanine; minus strand).
Variant type: single nucleotide variant.
Genome position: chrM-5604-C-T.
Identifiers: ClinVar variation 689954 (VCV000689954.1), dbSNP rs1603220053, ClinGen allele CA913179979.
Genomic context (GRCh38, chrMT:5,604, plus strand): 5'-TCAAAGCCCTCAGTAAGTTGCAATACTTAATTTCTGTAACAGCTAAGGACTGCAAAACCC[C>T]ACTCTGCATCAACTGAACGCAAATCAGCCACTTTAATTAAGCTAAGCCCTTACTAGACCA-3'

ClinVar aggregate classification (germline): Likely benign (1 of 4 stars; one submission).

Conditions:
MELAS syndrome (MELAS). Also called: Juvenile myopathy, encephalopathy, lactic acidosis, stroke. Identifiers: Orphanet 550, MedGen C0162671, MONDO:0010789, OMIM 540000.

Submission:

Wong Mito Lab, Molecular and Human Genetics, Baylor College of Medicine
Classification: Likely benign for MELAS syndrome. Last evaluated: 2019-07-12. Review status: criteria provided, single submitter. Criteria: Modified ACMG Guidelines (Unpublished). Collection method: clinical testing. Allele origin: germline.
Comment: The NC_012920.1:m.5604C>T variant in MT-TA gene is interpreted to be a Likely Benign variant based on the modified ACMG guidelines (unpublished). This variant meets the following evidence codes reported in the guidelines: BS2, BP4

Literature cited by the submitters: PubMed 31965079.